The following is an entry in ClinVar:

ClinVar aggregate classification (germline): Uncertain significance (1 of 4 stars; one submission).

Conditions:
DST-related disorder. Also called: DST-related condition; DST-related disorders.

gnomAD v4.1: 16 of 1,613,582 alleles (0.00099%); highest among the groups gnomAD compares: African/African-American, 0.017%; no homozygotes.

Submission:

PreventionGenetics, part of Exact Sciences
Classification: Uncertain significance for DST-related condition. Last evaluated: 2026-06-29. Review status: criteria provided, single submitter. Criteria: ACMG Guidelines, 2015. Collection method: clinical testing. Allele origin: germline.
Comment: The DST c.12614T>C variant is predicted to result in the amino acid substitution p.Ile4205Thr. To our knowledge, this variant has not been reported in the literature. This variant is reported in 0.021% of alleles in individuals of African descent in gnomAD. At this time, the clinical significance of this variant is uncertain due to the absence of conclusive functional and genetic evidence.

NM_001374736.1(DST):c.18971T>C (p.Ile6324Thr)

Gene: DST (dystonin; minus strand). Cytogenetic location: 6p12.1.
Variant type: single nucleotide variant.
Coding change: c.18971T>C on transcript NM_001374736.1 (MANE Select); coding-DNA position 18971, T replaced by C.
Protein change: p.Ile6324Thr; replaces isoleucine 6324 with threonine.
Molecular consequence: missense variant.
Genome position (GRCh38, 1-based): chr6:56,509,683, A>G on the plus strand (T>C on the coding strand, the complement: DST is on the minus strand). VCF-style: chr6-56509683-A-G. GRCh37 (hg19) VCF-style: chr6-56374481-A-G.
Other names: c.12614T>C, p.Ile4205Thr (NM_001144769.5); c.12200T>C, p.Ile4067Thr (NM_001144770.2); c.18971T>C, p.Ile6324Thr (NM_001374722.1); c.18011T>C, p.Ile6004Thr (NM_001374729.1); c.11753T>C, p.Ile3918Thr (NM_001374730.1); c.18998T>C, p.Ile6333Thr (NM_001374734.1); c.12080T>C, p.Ile4027Thr (NM_001386100.1, NM_183380.4); c.11102T>C, p.Ile3701Thr (NM_015548.5); short protein forms I4027T, I6324T, I3701T, I4205T, I6004T, I3918T, I4067T, I6333T.
Identifiers: ClinVar variation 4977817 (VCV004977817.1).
Genomic context (GRCh38, chr6:56,509,683, plus strand): 5'-CCTATTCCAAAAGTATTACCTTTGGCAGATATGTCTTTATCAGTCCCCCCAGATCTAGCA[A>G]TCATTTCCTCTCCCCTCTGTTTAAGAGTTTCATACAACGGCTGTAGCTTTTCCATGTCTA-3'
Protein context (NP_001361665.1, residues 6314-6334): ETLKQRGEEM[Ile6324Thr]ARSGGTDKDI